The following is an entry in ClinVar:

NM_004618.5(TOP3A):c.1557C>T (p.Thr519=)

Gene: TOP3A (DNA topoisomerase III alpha; minus strand). Cytogenetic location: 17p11.2.
Variant type: single nucleotide variant.
Coding change: c.1557C>T on transcript NM_004618.5 (MANE Select); coding-DNA position 1557, C replaced by T.
Protein change: p.Thr519=; no amino-acid change (threonine 519 retained).
Molecular consequence: synonymous variant.
Genome position (GRCh38, 1-based): chr17:18,290,597, G>A on the plus strand (C>T on the coding strand, the complement: TOP3A is on the minus strand). VCF-style: chr17-18290597-G-A. GRCh37 (hg19) VCF-style: chr17-18193911-G-A.
Other names: c.1272C>T, p.Thr424= (NM_001320759.2); c.1557C>T (NM_004618.4).
Identifiers: ClinVar variation 1669931 (VCV001669931.10), dbSNP rs200807427, ClinGen allele CA8429864.

ClinVar aggregate classification (germline): Likely benign. Review status: criteria provided, single submitter (1 of 4 stars). 2 submissions from 2 submitters: Likely benign (1). 1 of the submissions does not count toward it. Last evaluated 2022-08-30.

Conditions:
TOP3A-related disorder. Also called: TOP3A-related disorders; TOP3A-related condition.

Allele frequency attached by ClinVar (database versions not stated): 1000 Genomes Project 30x 0.00016; 1000 Genomes Project 0.00020.

Submissions (2):

Labcorp Genetics (formerly Invitae), Labcorp
Classification: Likely benign. Last evaluated: 2022-08-30. Review status: criteria provided, single submitter. Criteria: Invitae Variant Classification Sherloc (09022015). Collection method: clinical testing. Allele origin: germline.

PreventionGenetics, part of Exact Sciences
Classification: Likely benign for TOP3A-related condition. Last evaluated: 2019-07-30. Review status: no assertion criteria provided. Collection method: clinical testing. Allele origin: germline. Not counted in ClinVar's aggregate classification.
Comment: This variant is classified as likely benign based on ACMG/AMP sequence variant interpretation guidelines (Richards et al. 2015 PMID: 25741868, with internal and published modifications).